The following is an entry in ClinVar:

ClinVar aggregate classification (germline): Pathogenic (1 of 4 stars; one submission).

Conditions:
Jeune thoracic dystrophy. Also called: Jeune syndrome; Infantile thoracic dystrophy; Thoracic pelvic phalangeal dystrophy; Jeune's syndrome; Chondroectodermal dysplasia-like syndrome; Short-rib thoracic dysplasia. Identifiers: Orphanet 474, MedGen C0265275, MONDO:0018770.

Submission:

Labcorp Genetics (formerly Invitae), Labcorp
Classification: Pathogenic for Jeune thoracic dystrophy. Last evaluated: 2022-02-05. Review status: criteria provided, single submitter. Criteria: Invitae Variant Classification Sherloc (09022015). Collection method: clinical testing. Allele origin: germline.
Comment: This sequence change inserts a large fragment of DNA, likely a transposable element, in exon 10 of the IFT80 gene (c.972_973insLINE), causing a frameshift at codon 325 (p.Asn325fs). The exact size and sequence of the insertion cannot be determined by the current assay. However, the insertion is expected to result in an absent or disrupted protein product. This variant is not present in population databases (gnomAD no frequency). This variant has not been reported in the literature in individuals affected with IFT80-related conditions. Retrotransposon insertions including LINE1 (L1), Alu, and SVA (SINE-VNTR-Alu) have been reported to be disease-causing through disruption of either a coding region or splice site (PMID: 19763152, 20307669, 22406018) and loss-of-function variants in IFT80 are known to be pathogenic (PMID: 21227999, 23339108, 29068549). For these reasons, this variant has been classified as Pathogenic.

Literature cited by the submitters: PubMed 19763152; PubMed 20307669; PubMed 22406018; PubMed 21227999; PubMed 23339108; PubMed 29068549.

NM_020800.3(IFT80):c.972_973insNNNNNNNNTTTTTTTT (p.Asn325delinsXaaXaaXaaPhePheTer)

Genes: IFT80 (intraflagellar transport 80; minus strand), TRIM59-IFT80 (TRIM59-IFT80 readthrough (NMD candidate); minus strand). Cytogenetic location: 3q25.33.
Variant type: Microsatellite.
Coding change: c.972_973insNNNNNNNNTTTTTTTT on transcript NM_020800.3 (MANE Select); coding-DNA positions 972 to 973, NNNNNNNNTTTTTTTT inserted.
Protein change: p.Asn325delinsXaaXaaXaaPhePheTer.
Molecular consequence: nonsense. On other transcripts: non-coding transcript variant (3).
Genome position: GRCh38 VCF-style: chr3-160307766-T-TAAAAAAAANNNNNNNN. GRCh37 (hg19) VCF-style: chr3-160025554-T-TAAAAAAAANNNNNNNN.
Other names: c.561_562insNNNNNNNNTTTTTTTT, p.Asn188delinsXaaXaaXaaPhePheTer (NM_001190241.2, NM_001190242.2).
Identifiers: ClinVar variation 1072907 (VCV001072907.7), dbSNP rs2108277143.
Genomic context (GRCh38, chr3:160,307,766, plus strand): 5'-CATAGTTCAAAGATGCTTTAATGACTCTATCACGGAATTCCAGTAAATCCACTGCATCAT[T>TAAAAAAAANNNNNNNN]AAGAACATTACGAACCTAAACAAGGAAAAATAAAATACCAATAAACATTATAACATATCC-3'